The following is an entry in ClinVar:

ClinVar aggregate classification (germline): Uncertain significance (1 of 4 stars; one submission).

Conditions:
Hereditary cancer-predisposing syndrome. Also called: Neoplastic Syndromes, Hereditary; Tumor predisposition; Hereditary neoplastic syndrome; Hereditary Cancer Syndrome. Identifiers: Orphanet 140162, MedGen C0027672, MeSH D009386, MONDO:0015356.

Allele frequency attached by ClinVar (database versions not stated): gnomAD exomes below 0.00001 and 0.00001; ExAC 0.00002.

Submission:

Ambry Genetics
Classification: Uncertain significance for Hereditary cancer-predisposing syndrome. Last evaluated: 2019-03-08. Review status: criteria provided, single submitter. Criteria: Ambry Variant Classification Scheme 2023. Collection method: clinical testing. Allele origin: germline.
Comment: The p.F13L variant (also known as c.39T>A), located in coding exon 2 of the MRE11A gene, results from a T to A substitution at nucleotide position 39. The phenylalanine at codon 13 is replaced by leucine, an amino acid with highly similar properties. A different alteration resulting in the same amino acid change, c.37T>C (p.F13L), was reported in a study of 1297 cases of early-onset breast cancer and 1121 controls (Young EL et al. J. Med. Genet., 2016 06;53:366-76). This amino acid position is highly conserved in available vertebrate species. In addition, this alteration is predicted to be deleterious by in silico analysis. Since supporting evidence is limited at this time, the clinical significance of this alteration remains unclear.

Literature cited by the submitters: PubMed 26787654.

NM_005591.4(MRE11):c.39T>A (p.Phe13Leu)

Gene: MRE11 (MRE11 double strand break repair nuclease; minus strand). Cytogenetic location: 11q21.
Variant type: single nucleotide variant.
Coding change: c.39T>A on transcript NM_005591.4 (MANE Select); coding-DNA position 39, T replaced by A.
Protein change: p.Phe13Leu; replaces phenylalanine 13 with leucine.
Molecular consequence: missense variant.
Genome position (GRCh38, 1-based): chr11:94,490,947, A>T on the plus strand (T>A on the coding strand, the complement: MRE11 is on the minus strand). VCF-style: chr11-94490947-A-T. GRCh37 (hg19) VCF-style: chr11-94224113-A-T.
Other names: c.39T>A, p.Phe13Leu (NM_001330347.2, NM_005590.4); short protein forms F13L.
Identifiers: ClinVar variation 824476 (VCV000824476.4), dbSNP rs751978914, ClinGen allele CA6235468.